The following is an entry in ClinVar:

NM_000057.4(BLM):c.1879A>G (p.Thr627Ala)

Gene: BLM (BLM RecQ like helicase; plus strand). Cytogenetic location: 15q26.1.
Variant type: single nucleotide variant.
Coding change: c.1879A>G on transcript NM_000057.4 (MANE Select); coding-DNA position 1879, A replaced by G.
Protein change: p.Thr627Ala; replaces threonine 627 with alanine.
Molecular consequence: missense variant.
Genome position (GRCh38, 1-based): chr15:90,761,252, A>G. VCF-style: chr15-90761252-A-G. GRCh37 (hg19) VCF-style: chr15-91304482-A-G.
Other names: c.1879A>G, p.Thr627Ala (NM_001287246.2, NM_001287247.2); c.754A>G, p.Thr252Ala (NM_001287248.2); short protein forms T627A, T252A.
Identifiers: ClinVar variation 947105 (VCV000947105.11), dbSNP rs1895981084, ClinGen allele CA393844042.
Genomic context (GRCh38, chr15:90,761,252, plus strand): 5'-TGTCTTCCAGTGTCATCTACTGCTCAAAATATAAACTTCTCAGAGTCAATTCAGAATTAT[A>G]CTGGTAAGTTTAAAATAAATTGAATGCTTATATGAAAACAAAACTGTCCCAAAATAGGAA-3'
Protein context (NP_000048.1, residues 617-637): INFSESIQNY[Thr627Ala]DKSAQNLASR

ClinVar aggregate classification (germline): Uncertain significance. Review status: criteria provided, multiple submitters, no conflicts (2 of 4 stars). 2 submissions from 2 submitters: Uncertain significance (2). Last evaluated 2025-04-03.

Conditions:
Hereditary cancer-predisposing syndrome. Also called: Hereditary neoplastic syndrome; Neoplastic Syndromes, Hereditary; Tumor predisposition; Hereditary Cancer Syndrome. Identifiers: Orphanet 140162, MedGen C0027672, MeSH D009386, MONDO:0015356.
Bloom syndrome (BLM). Also called: Bloom-Torre-Machacek syndrome. Identifiers: Orphanet 125, MedGen C0005859, MONDO:0008876, OMIM 210900.

Allele frequency attached by ClinVar (database versions not stated): gnomAD exomes below 0.00001.
gnomAD v4.1: 1 of 1,520,406 alleles (0.000066%); no homozygotes.

Submissions (2):

Labcorp Genetics (formerly Invitae), Labcorp
Classification: Uncertain significance for Bloom syndrome. Last evaluated: 2025-04-03. Review status: criteria provided, single submitter. Criteria: Invitae Variant Classification Sherloc (09022015). Collection method: clinical testing. Allele origin: germline.
Comment: This sequence change replaces threonine, which is neutral and polar, with alanine, which is neutral and non-polar, at codon 627 of the BLM protein (p.Thr627Ala). This variant is not present in population databases (gnomAD no frequency). This variant has not been reported in the literature in individuals affected with BLM-related conditions. ClinVar contains an entry for this variant (Variation ID: 947105). Invitae Evidence Modeling of protein sequence and biophysical properties (such as structural, functional, and spatial information, amino acid conservation, physicochemical variation, residue mobility, and thermodynamic stability) indicates that this missense variant is not expected to disrupt BLM protein function with a negative predictive value of 80%. In summary, the available evidence is currently insufficient to determine the role of this variant in disease. Therefore, it has been classified as a Variant of Uncertain Significance.

Ambry Genetics
Classification: Uncertain significance for Hereditary cancer-predisposing syndrome. Last evaluated: 2021-12-29. Review status: criteria provided, single submitter. Criteria: Ambry Variant Classification Scheme 2023. Collection method: clinical testing. Allele origin: germline.
Comment: The p.T627A variant (also known as c.1879A>G), located in coding exon 6 of the BLM gene, results from an A to G substitution at nucleotide position 1879. The threonine at codon 627 is replaced by alanine, an amino acid with similar properties. This amino acid position is conserved. In addition, this alteration is predicted to be tolerated by in silico analysis. Since supporting evidence is limited at this time, the clinical significance of this alteration remains unclear.